The following is an entry in ClinVar:

ClinVar aggregate classification (germline): Benign (1 of 4 stars; one submission).

Conditions:
Leigh syndrome (NULS). Also called: Leigh's necrotizing encephalopathy; Leigh's disease; Leigh's syndrome; LEIGH SYNDROME, NUCLEAR; Leigh Syndrome (mtDNA deletion); Leigh Disease. Identifiers: Orphanet 506, MedGen C2931891, MONDO:0009723, OMIM 256000.

Submission:

Wong Mito Lab, Molecular and Human Genetics, Baylor College of Medicine
Classification: Benign for Leigh syndrome. Last evaluated: 2019-10-17. Review status: criteria provided, single submitter. Criteria: Modified ACMG Guidelines (Unpublished). Collection method: clinical testing. Allele origin: germline.
Comment: The NC_012920.1:m.13981C>T (YP_003024036.1:p.Pro549Ser) variant in MTND5 gene is interpretated to be a Benign variant based on the modified ACMG guidelines (unpublished). This variant meets the following evidence codes: BS1, BS2, BP4

NC_012920.1(MT-ND5):m.13981C>T

Gene: MT-ND5 (mitochondrially encoded NADH dehydrogenase 5; plus strand).
Variant type: single nucleotide variant.
Genome position: chrM-13981-C-T.
Identifiers: ClinVar variation 693647 (VCV000693647.1), dbSNP rs201144988, ClinGen allele CA337099883.
Genomic context (GRCh38, chrMT:13,981, plus strand): 5'-TACCCTAGCATCACACACCGCACAATCCCCTATCTAGGCCTTCTTACGAGCCAAAACCTG[C>T]CCCTACTCCTCCTAGACCTAACCTGACTAGAAAAGCTATTACCTAAAACAATTTCACAGC-3'